The following is an entry in ClinVar:

NM_013314.4(BLNK):c.463G>T (p.Ala155Ser)

Gene: BLNK (B cell linker; minus strand). Cytogenetic location: 10q24.1.
Variant type: single nucleotide variant.
Coding change: c.463G>T on transcript NM_013314.4 (MANE Select); coding-DNA position 463, G replaced by T.
Protein change: p.Ala155Ser; replaces alanine 155 with serine.
Molecular consequence: missense variant. On other transcripts: non-coding transcript variant (1), intron variant (1).
Genome position (GRCh38, 1-based): chr10:96,223,888, C>A on the plus strand (G>T on the coding strand, the complement: BLNK is on the minus strand). VCF-style: chr10-96223888-C-A. GRCh37 (hg19) VCF-style: chr10-97983644-C-A.
Other names: c.463G>T, p.Ala155Ser (NM_001114094.2, NM_001258440.2, NM_001258441.2); c.349+3534G>T (NM_001258442.2); short protein forms A155S.
Identifiers: ClinVar variation 1057936 (VCV001057936.9), dbSNP rs201861123, ClinGen allele CA5623463.

ClinVar aggregate classification (germline): Uncertain significance (1 of 4 stars; one submission).

Conditions:
Agammaglobulinemia 4, autosomal recessive (AGM4). Also called: AGAMMAGLOBULINEMIA, AUTOSOMAL RECESSIVE, DUE TO BLNK DEFECT; B cell linker protein deficiency. Identifiers: MedGen C3150752, MONDO:0013289, OMIM 613502.

Allele frequency attached by ClinVar (database versions not stated): ExAC 0.00002.

Submission:

Labcorp Genetics (formerly Invitae), Labcorp
Classification: Uncertain significance for Agammaglobulinemia 4, autosomal recessive. Last evaluated: 2020-09-01. Review status: criteria provided, single submitter. Criteria: Invitae Variant Classification Sherloc (09022015). Collection method: clinical testing. Allele origin: germline.
Comment: Algorithms developed to predict the effect of missense changes on protein structure and function output the following: SIFT: "Tolerated"; PolyPhen-2: "Benign"; Align-GVGD: "Class C0". The serine amino acid residue is found in multiple mammalian species, suggesting that this missense change does not adversely affect protein function. These predictions have not been confirmed by published functional studies and their clinical significance is uncertain. This variant has not been reported in the literature in individuals with BLNK-related conditions. This variant is present in population databases (rs201861123, ExAC 0.01%). This sequence change replaces alanine with serine at codon 155 of the BLNK protein (p.Ala155Ser). The alanine residue is moderately conserved and there is a moderate physicochemical difference between alanine and serine. In summary, the available evidence is currently insufficient to determine the role of this variant in disease. Therefore, it has been classified as a Variant of Uncertain Significance.